The following is an entry in ClinVar:

NM_194248.3(OTOF):c.718C>T (p.Pro240Ser)

Gene: OTOF (otoferlin; minus strand). Cytogenetic location: 2p23.3.
Variant type: single nucleotide variant.
Coding change: c.718C>T on transcript NM_194248.3 (MANE Select); coding-DNA position 718, C replaced by T.
Protein change: p.Pro240Ser; replaces proline 240 with serine.
Molecular consequence: missense variant.
Genome position (GRCh38, 1-based): chr2:26,501,801, G>A on the plus strand (C>T on the coding strand, the complement: OTOF is on the minus strand). VCF-style: chr2-26501801-G-A. GRCh37 (hg19) VCF-style: chr2-26724669-G-A.
Other names: c.718C>T, p.Pro240Ser (NM_001287489.2); short protein forms P240S.
Identifiers: ClinVar variation 4075568 (VCV004075568.1).

ClinVar aggregate classification (germline): Uncertain significance (1 of 4 stars; one submission).

gnomAD v4.1: 3 of 1,613,160 alleles (0.00019%); highest among the groups gnomAD compares: East Asian, 0.0022%; no homozygotes.

Submission:

GeneDx
Classification: Uncertain significance. Last evaluated: 2025-02-12. Review status: criteria provided, single submitter. Criteria: GeneDx Variant Classification Process June 2021. Collection method: clinical testing. Allele origin: germline. Affected: yes.
Comment: Not observed at significant frequency in large population cohorts (gnomAD); In silico analysis indicates that this missense variant does not alter protein structure/function; Has not been previously published as pathogenic or benign to our knowledge